The following is an entry in ClinVar:

NM_001382241.1(TNPO2):c.2110+4C>T

Gene: TNPO2 (transportin 2; minus strand). Cytogenetic location: 19p13.13.
Variant type: single nucleotide variant.
Coding change: c.2110+4C>T on transcript NM_001382241.1 (MANE Select); 4 bases into the intron after coding-DNA position 2110, C replaced by T.
Molecular consequence: intron variant.
Genome position (GRCh38, 1-based): chr19:12,703,710, G>A on the plus strand (C>T on the coding strand, the complement: TNPO2 is on the minus strand). VCF-style: chr19-12703710-G-A. GRCh37 (hg19) VCF-style: chr19-12814524-G-A.
Other names: c.2110+4C>T (NM_001382237.1, NM_001382240.1, NM_001382238.1 and 7 more transcripts).
Identifiers: ClinVar variation 3045082 (VCV003045082.2), dbSNP rs150636988, ClinGen allele CA9228898.

ClinVar aggregate classification (germline): Likely benign (0 of 4 stars; one submission).

Conditions:
TNPO2-related disorder. Also called: TNPO2-related condition.

Allele frequency attached by ClinVar (database versions not stated): ESP Exome Variant Server 0.00040; TOPMed 0.00044; 1000 Genomes Project 0.00060; 1000 Genomes Project 30x 0.00062.
gnomAD v4.1: 176 of 1,607,064 alleles (0.011%); highest among the groups gnomAD compares: African/African-American, 0.17%; no homozygotes.

Submission:

PreventionGenetics, part of Exact Sciences
Classification: Likely benign for TNPO2-related condition. Last evaluated: 2022-06-15. Review status: no assertion criteria provided. Collection method: clinical testing. Allele origin: germline.
Comment: This variant is classified as likely benign based on ACMG/AMP sequence variant interpretation guidelines (Richards et al. 2015 PMID: 25741868, with internal and published modifications).